The following is an entry in ClinVar:

NM_032806.6(POMGNT2):c.478A>C (p.Asn160His)

Gene: POMGNT2 (protein O-linked mannose N-acetylglucosaminyltransferase 2 (beta 1,4-); minus strand). Cytogenetic location: 3p22.1.
Variant type: single nucleotide variant.
Coding change: c.478A>C on transcript NM_032806.6 (MANE Select); coding-DNA position 478, A replaced by C.
Protein change: p.Asn160His; replaces asparagine 160 with histidine.
Molecular consequence: missense variant.
Genome position (GRCh38, 1-based): chr3:43,080,954, T>G on the plus strand (A>C on the coding strand, the complement: POMGNT2 is on the minus strand). VCF-style: chr3-43080954-T-G. GRCh37 (hg19) VCF-style: chr3-43122446-T-G.
Other names: short protein forms N160H.
Identifiers: ClinVar variation 1450379 (VCV001450379.5), dbSNP rs773297624, ClinGen allele CA2340066.

ClinVar aggregate classification (germline): Uncertain significance (1 of 4 stars; one submission).

Conditions:
Muscular dystrophy-dystroglycanopathy (congenital with brain and eye anomalies), type a, 8 (MDDGA8). Also called: WALKER-WARBURG SYNDROME OR MUSCLE-EYE-BRAIN DISEASE, GTDC2-RELATED. Identifiers: Orphanet 899, MedGen C3553813, MONDO:0013904, OMIM 614830.

Allele frequency attached by ClinVar (database versions not stated): gnomAD exomes below 0.00001; ExAC 0.00001; gnomAD 0.00001; TOPMed 0.00001.
gnomAD v4.1: 2 of 1,614,036 alleles (0.00012%); highest among the groups gnomAD compares: Admixed American, 0.0033%; no homozygotes.

Submission:

Labcorp Genetics (formerly Invitae), Labcorp
Classification: Uncertain significance for Muscular dystrophy-dystroglycanopathy (congenital with brain and eye anomalies), type a, 8. Last evaluated: 2022-07-06. Review status: criteria provided, single submitter. Criteria: Invitae Variant Classification Sherloc (09022015). Collection method: clinical testing. Allele origin: germline.
Comment: This sequence change replaces asparagine, which is neutral and polar, with histidine, which is basic and polar, at codon 160 of the POMGNT2 protein (p.Asn160His). This variant is present in population databases (rs773297624, gnomAD 0.003%). This variant has not been reported in the literature in individuals affected with POMGNT2-related conditions. ClinVar contains an entry for this variant (Variation ID: 1450379). Algorithms developed to predict the effect of missense changes on protein structure and function (SIFT, PolyPhen-2, Align-GVGD) all suggest that this variant is likely to be disruptive. In summary, the available evidence is currently insufficient to determine the role of this variant in disease. Therefore, it has been classified as a Variant of Uncertain Significance.